The following is an entry in ClinVar:

ClinVar aggregate classification (germline): Uncertain significance. Review status: reviewed by expert panel (3 of 4 stars). 2 submissions from 2 submitters: Uncertain significance (1). 1 of the submissions does not count toward it. Last evaluated 2024-10-29.

Conditions:
Hereditary thrombocytopenia and hematological cancer predisposition syndrome associated with RUNX1. Also called: Familial Platelet Disorder with Propensity to Acute Myelogenous Leukemia; Familial thrombocytopenia with propensity to acute myelogenous leukemia; PLATELET DISORDER, ASPIRIN-LIKE; RUNX1 Familial Platelet Disorder with Associated Myeloid Malignancies. Identifiers: Orphanet 71290, MedGen C1832388, MeSH C563324, MONDO:0100083, OMIM 601399.
Hereditary thrombocytopenia and hematologic cancer predisposition syndrome. Identifiers: Orphanet 71290, MedGen CN281654, MONDO:0011071.

Submissions (2):

ClinGen Myeloid Malignancy Variant Curation Expert Panel
Classification: Uncertain significance for Hereditary thrombocytopenia and hematologic cancer predisposition syndrome. Last evaluated: 2024-10-29. Review status: reviewed by expert panel. Criteria: ClinGen MyeloMalig ACMG Specifications v2. Collection method: curation. Allele origin: germline. Inheritance: Autosomal dominant inheritance.
Comment: NM_001754.5(RUNX1):c.341T>C (p.Ile114Thr) is a missense variant which is found within the runt homology domain but does not occur in an established hotspot residue (PM1_supporting). This variant is completely absent from all population databases with at least 20x coverage for RUNX1 (PM2_Supporting). In summary, the clinical significance of this variant is uncertain. ACMG/AMP criteria applied, as specified by the Myeloid Malignancy Variant Curation Expert Panel for RUNX1: PM1_supporting, PM2_supporting.

Labcorp Genetics (formerly Invitae), Labcorp
Classification: Uncertain significance for Hereditary thrombocytopenia and hematological cancer predisposition syndrome associated with RUNX1. Last evaluated: 2023-01-31. Review status: criteria provided, single submitter. Criteria: Invitae Variant Classification Sherloc (09022015). Collection method: clinical testing. Allele origin: germline. Not counted in ClinVar's aggregate classification.
Comment: This sequence change replaces isoleucine, which is neutral and non-polar, with threonine, which is neutral and polar, at codon 114 of the RUNX1 protein (p.Ile114Thr). This variant is not present in population databases (gnomAD no frequency). This variant has not been reported in the literature in individuals affected with RUNX1-related conditions. Advanced modeling of protein sequence and biophysical properties (such as structural, functional, and spatial information, amino acid conservation, physicochemical variation, residue mobility, and thermodynamic stability) performed at Invitae indicates that this missense variant is not expected to disrupt RUNX1 protein function. In summary, the available evidence is currently insufficient to determine the role of this variant in disease. Therefore, it has been classified as a Variant of Uncertain Significance.

NM_001754.5(RUNX1):c.341T>C (p.Ile114Thr)

Gene: RUNX1 (RUNX family transcription factor 1; minus strand). Cytogenetic location: 21q22.12.
Variant type: single nucleotide variant.
Coding change: c.341T>C on transcript NM_001754.5 (MANE Select); coding-DNA position 341, T replaced by C.
Protein change: p.Ile114Thr; replaces isoleucine 114 with threonine.
Molecular consequence: missense variant.
Genome position (GRCh38, 1-based): chr21:34,886,853, A>G on the plus strand (T>C on the coding strand, the complement: RUNX1 is on the minus strand). VCF-style: chr21-34886853-A-G. GRCh37 (hg19) VCF-style: chr21-36259150-A-G.
Other names: NM_001754.5(RUNX1):c.341T>C; p.Ile114Thr; c.260T>C, p.Ile87Thr (NM_001001890.3, NM_001122607.2); short protein forms I114T, I87T.
Identifiers: ClinVar variation 2883235 (VCV002883235.4), dbSNP rs2146407918, ClinGen allele CA410203381.